The following is an entry in ClinVar:

NM_000642.3(AGL):c.3700+14A>G

Gene: AGL (amylo-alpha-1,6-glucosidase and 4-alpha-glucanotransferase; plus strand). Cytogenetic location: 1p21.2.
Variant type: single nucleotide variant.
Coding change: c.3700+14A>G on transcript NM_000642.3 (MANE Select); 14 bases into the intron after coding-DNA position 3700, A replaced by G.
Molecular consequence: intron variant.
Genome position (GRCh38, 1-based): chr1:99,902,808, A>G. VCF-style: chr1-99902808-A-G. GRCh37 (hg19) VCF-style: chr1-100368364-A-G.
Other names: c.3700+14A>G (NM_000643.3, NM_000644.3, NM_001425325.1 and 1 more transcripts); c.3652+14A>G (NM_000646.3); c.3679+14A>G (NM_001425326.1); c.3499+14A>G (NM_001425327.1); c.3496+14A>G (NM_001425328.1); c.3361+14A>G (NM_001425329.1); c.3322+14A>G (NM_001425332.1).
Identifiers: ClinVar variation 391083 (VCV000391083.10), dbSNP rs368141566, ClinGen allele CA967179.

ClinVar aggregate classification (germline): Likely benign. Review status: criteria provided, multiple submitters, no conflicts (2 of 4 stars). 4 submissions from 4 submitters: Likely benign (4). Last evaluated 2026-02-02.

Conditions:
Glycogen storage disease type III (GSD3). Also called: Cori disease; FORBES DISEASE. Identifiers: Orphanet 366, MedGen C0017922, MONDO:0009291, OMIM 232400.

Allele frequency attached by ClinVar (database versions not stated): ESP Exome Variant Server 0.00008; gnomAD 0.00015 and 0.00016; TOPMed 0.00015; gnomAD exomes 0.00017 and 0.00024; ExAC 0.00024.
gnomAD v4.1: 354 of 1,574,738 alleles (0.022%); highest among the groups gnomAD compares: Non-Finnish European, 0.029%; no homozygotes.

Submissions (4):

Labcorp Genetics (formerly Invitae), Labcorp
Classification: Likely benign for Glycogen storage disease type III. Last evaluated: 2026-02-02. Review status: criteria provided, single submitter. Criteria: Invitae Variant Classification Sherloc (09022015). Collection method: clinical testing. Allele origin: germline.

Blueprint Genetics
Classification: Likely benign. Last evaluated: 2024-10-23. Review status: criteria provided, single submitter. Criteria: ACMG Guidelines, 2015. Collection method: clinical testing. Allele origin: germline.

Genome-Nilou Lab
Classification: Likely benign for Glycogen storage disease type III. Last evaluated: 2023-04-11. Review status: criteria provided, single submitter. Criteria: ACMG Guidelines, 2015. Collection method: clinical testing. Allele origin: germline. Affected: no.

GeneDx
Classification: Likely benign. Last evaluated: 2016-11-23. Review status: criteria provided, single submitter. Criteria: GeneDx Variant Classification (06012015). Collection method: clinical testing. Allele origin: germline. Affected: yes.
Comment: This variant is considered likely benign or benign based on one or more of the following criteria: it is a conservative change, it occurs at a poorly conserved position in the protein, it is predicted to be benign by multiple in silico algorithms, and/or has population frequency not consistent with disease.